The following is an entry in ClinVar:

NM_015991.4(C1QA):c.11C>G (p.Pro4Arg)

Gene: C1QA (complement C1q A chain; plus strand). Cytogenetic location: 1p36.12.
Variant type: single nucleotide variant.
Coding change: c.11C>G on transcript NM_015991.4 (MANE Select); coding-DNA position 11, C replaced by G.
Protein change: p.Pro4Arg; replaces proline 4 with arginine.
Molecular consequence: missense variant.
Genome position (GRCh38, 1-based): chr1:22,637,627, C>G. VCF-style: chr1-22637627-C-G. GRCh37 (hg19) VCF-style: chr1-22964120-C-G.
Other names: c.11C>G, p.Pro4Arg (NM_001347465.2, NM_001347466.2); short protein forms P4R.
Identifiers: ClinVar variation 1468526 (VCV001468526.4), dbSNP rs149230484, ClinGen allele CA677697.
Genomic context (GRCh38, chr1:22,637,627, plus strand): 5'-AGTGTGATGTCCAACCTGCCCAGGCCCTCCCGTGTCTCCACAGAGGCATCATGGAGGGTC[C>G]CCGGGGATGGCTGGTGCTCTGTGTGCTGGCCATATCGCTGGCCTCTATGGTGACCGAGGA-3'
Protein context (NP_057075.1, residues 1-14): MEG[Pro4Arg]RGWLVLCVLA

ClinVar aggregate classification (germline): Uncertain significance. Review status: criteria provided, multiple submitters, no conflicts (2 of 4 stars). 2 submissions from 2 submitters: Uncertain significance (2). Last evaluated 2022-07-05.

Conditions:
C1Q deficiency. Identifiers: MedGen C3150902, MONDO:0013343.

Allele frequency attached by ClinVar (database versions not stated): gnomAD 0.00023; ExAC 0.00026; gnomAD exomes 0.00026 and 0.00054; ESP Exome Variant Server 0.00031; TOPMed 0.00031.
gnomAD v4.1: 843 of 1,613,938 alleles (0.052%); highest among the groups gnomAD compares: Non-Finnish European, 0.066%; no homozygotes.

Submissions (2):

Labcorp Genetics (formerly Invitae), Labcorp
Classification: Uncertain significance. Last evaluated: 2022-07-05. Review status: criteria provided, single submitter. Criteria: Invitae Variant Classification Sherloc (09022015). Collection method: clinical testing. Allele origin: germline.
Comment: This sequence change replaces proline, which is neutral and non-polar, with arginine, which is basic and polar, at codon 4 of the C1QA protein (p.Pro4Arg). This variant is present in population databases (rs149230484, gnomAD 0.05%). This variant has not been reported in the literature in individuals affected with C1QA-related conditions. ClinVar contains an entry for this variant (Variation ID: 1468526). Algorithms developed to predict the effect of missense changes on protein structure and function are either unavailable or do not agree on the potential impact of this missense change (SIFT: "Tolerated"; PolyPhen-2: "Possibly Damaging"; Align-GVGD: "Class C0"). In summary, the available evidence is currently insufficient to determine the role of this variant in disease. Therefore, it has been classified as a Variant of Uncertain Significance.

Victorian Clinical Genetics Services, Murdoch Childrens Research Institute
Classification: Uncertain significance for C1Q deficiency 1. Last evaluated: 2019-08-28. Review status: criteria provided, single submitter. Criteria: ACMG Guidelines, 2015. Collection method: clinical testing. Allele origin: germline. Inheritance: Autosomal recessive inheritance. Affected: yes.
Comment: A heterozygous missense variant was identified, NM_015991.2(C1QA):c.11C>G in exon 2 of 3 of the C1QA gene. This substitution is predicted to create a major amino acid change from proline to arginine at position 4 of the protein, NP_057075.1(C1QA):p.(Pro4Arg). The proline at this position has low conservation (100 vertebrates, UCSC), and is located within the signal peptide motif. In silico software predictions of the pathogenicity of this variant are conflicting (Polyphen, SIFT, CADD, Mutation Taster). The variant is present in the gnomAD population database at a frequency of 0.02% (68 heterozygotes, 0 homozygotes). An alternative residue change to serine at the same location has been reported in the gnomAD database at a frequency of 0.0004% (1 heterozygote, 0 homozygotes). The variant has not previously been reported in clinical cases. Based on information available at the time of curation, this variant has been classified as a VARIANT of UNCERTAIN SIGNIFICANCE (VUS).